The following is an entry in ClinVar:

NM_006231.4(POLE):c.6597C>G (p.Ile2199Met)

Gene: POLE (DNA polymerase epsilon, catalytic subunit; minus strand). Cytogenetic location: 12q24.33.
Variant type: single nucleotide variant.
Coding change: c.6597C>G on transcript NM_006231.4 (MANE Select); coding-DNA position 6597, C replaced by G.
Protein change: p.Ile2199Met; replaces isoleucine 2199 with methionine.
Molecular consequence: missense variant.
Genome position (GRCh38, 1-based): chr12:132,625,705, G>C on the plus strand (C>G on the coding strand, the complement: POLE is on the minus strand). VCF-style: chr12-132625705-G-C. GRCh37 (hg19) VCF-style: chr12-133202291-G-C.
Other names: short protein forms I2199M.
Identifiers: ClinVar variation 3716632 (VCV003716632.2).

ClinVar aggregate classification (germline): Uncertain significance (1 of 4 stars; one submission).

Submission:

Labcorp Genetics (formerly Invitae), Labcorp
Classification: Uncertain significance. Last evaluated: 2025-01-17. Review status: criteria provided, single submitter. Criteria: Invitae Variant Classification Sherloc (09022015). Collection method: clinical testing. Allele origin: germline.
Comment: This sequence change replaces isoleucine, which is neutral and non-polar, with methionine, which is neutral and non-polar, at codon 2199 of the POLE protein (p.Ile2199Met). This variant is not present in population databases (gnomAD no frequency). This variant has not been reported in the literature in individuals affected with POLE-related conditions. Invitae Evidence Modeling of protein sequence and biophysical properties (such as structural, functional, and spatial information, amino acid conservation, physicochemical variation, residue mobility, and thermodynamic stability) indicates that this missense variant is not expected to disrupt POLE protein function with a negative predictive value of 80%. In summary, the available evidence is currently insufficient to determine the role of this variant in disease. Therefore, it has been classified as a Variant of Uncertain Significance.